The following is an entry in ClinVar:

ClinVar aggregate classification (germline): Uncertain significance (1 of 4 stars; one submission).

Submission:

GeneDx
Classification: Uncertain significance. Last evaluated: 2024-05-28. Review status: criteria provided, single submitter. Criteria: GeneDx Variant Classification Process June 2021. Collection method: clinical testing. Allele origin: germline. Affected: yes.
Comment: Not observed at significant frequency in large population cohorts (gnomAD); In-frame deletion of 1 amino acids in a non-repeat region; In silico analysis supports a deleterious effect on protein structure/function; Has not been previously published as pathogenic or benign to our knowledge

NM_012398.3(PIP5K1C):c.1826_1828del (p.Glu609del)

Gene: PIP5K1C (phosphatidylinositol-4-phosphate 5-kinase type 1 gamma; minus strand). Cytogenetic location: 19p13.3.
Variant type: Deletion.
Coding change: c.1826_1828del on transcript NM_012398.3 (MANE Select); coding-DNA positions 1826 to 1828, 3 bases deleted (AAG; older notation c.1826_1828delAAG).
Protein change: p.Glu609del; deletes glutamic acid 609.
Genome position (GRCh38, 1-based): chr19:3,638,976-3,638,978, CTT deleted on the plus strand (AAG on the coding strand, the reverse complement: PIP5K1C is on the minus strand); deleting any 3 consecutive bases within chr19:3,638,976-3,638,979 gives the same sequence; the c. name uses the placement nearest the transcript's 3' end. VCF-style (leftmost placement, unchanged base first): chr19-3638975-ACTT-A. GRCh37 (hg19) VCF-style: chr19-3638973-ACTT-A.
Other names: c.1826_1828del, p.Glu609del (NM_001195733.2, NM_001300849.2); short protein forms E609del.
Identifiers: ClinVar variation 3383699 (VCV003383699.1).